The following is an entry in ClinVar:

ClinVar aggregate classification (germline): Likely pathogenic (1 of 4 stars; one submission).

Conditions:
RYR1-related disorder. Also called: RYR1-related disorders; RYR1-related condition. Identifiers: MedGen CN239331.

Submission:

Labcorp Genetics (formerly Invitae), Labcorp
Classification: Likely pathogenic for RYR1-related disorder. Last evaluated: 2022-10-05. Review status: criteria provided, single submitter. Criteria: Invitae Variant Classification Sherloc (09022015). Collection method: clinical testing. Allele origin: germline.
Comment: In summary, the currently available evidence indicates that the variant is pathogenic, but additional data are needed to prove that conclusively. Therefore, this variant has been classified as Likely Pathogenic. Algorithms developed to predict the effect of sequence changes on RNA splicing suggest that this variant may disrupt the consensus splice site. ClinVar contains an entry for this variant (Variation ID: 858474). This variant has not been reported in the literature in individuals affected with RYR1-related conditions. This variant is not present in population databases (gnomAD no frequency). This sequence change affects an acceptor splice site in intron 53 of the RYR1 gene. It is expected to disrupt RNA splicing. Variants that disrupt the donor or acceptor splice site typically lead to a loss of protein function (PMID: 16199547), and loss-of-function variants in RYR1 are known to be pathogenic (PMID: 20583297, 20839240, 23919265, 28818389).

Literature cited by the submitters: PubMed 16199547; PubMed 20583297; PubMed 20839240; PubMed 23919265; PubMed 28818389.

NM_000540.3(RYR1):c.8401-1G>A

Genes: RYR1 (ryanodine receptor 1; plus strand), LOC126862902 (BRD4-independent group 4 enhancer GRCh37_chr19:38995830-38997029; plus strand). Cytogenetic location: 19q13.2.
Variant type: single nucleotide variant.
Coding change: c.8401-1G>A on transcript NM_000540.3 (MANE Select); the canonical splice acceptor site of the intron before coding-DNA position 8401, G replaced by A.
Molecular consequence: splice acceptor variant.
Genome position (GRCh38, 1-based): chr19:38,505,805, G>A. VCF-style: chr19-38505805-G-A. GRCh37 (hg19) VCF-style: chr19-38996445-G-A.
Other names: c.8401-1G>A (NM_001042723.2).
Identifiers: ClinVar variation 858474 (VCV000858474.8), dbSNP rs1970417447, ClinGen allele CA405678527.